The following is an entry in ClinVar:

ClinVar aggregate classification (germline): Benign. Review status: criteria provided, multiple submitters, no conflicts (2 of 4 stars). 2 submissions from 2 submitters: Benign (2). Last evaluated 2018-06-14.

Allele frequency attached by ClinVar (database versions not stated): gnomAD 0.05494 and 0.05910; 1000 Genomes Project 0.06150; ESP Exome Variant Server 0.06298; TOPMed 0.06341; 1000 Genomes Project 30x 0.06543.
gnomAD v4.1: 16,412 of 1,602,014 alleles (1%); highest among the groups gnomAD compares: African/African-American, 19%; 1,486 homozygotes.

Submissions (2):

GeneDx
Classification: Benign. Last evaluated: 2018-06-14. Review status: criteria provided, single submitter. Criteria: GeneDx Variant Classification (06012015). Collection method: clinical testing. Allele origin: germline. Affected: yes.
Comment: This variant is considered likely benign or benign based on one or more of the following criteria: it is a conservative change, it occurs at a poorly conserved position in the protein, it is predicted to be benign by multiple in silico algorithms, and/or has population frequency not consistent with disease.

PreventionGenetics, part of Exact Sciences
Classification: Benign. Review status: criteria provided, single submitter. Criteria: ACMG Guidelines, 2015. Collection method: clinical testing. Allele origin: germline.

NM_182961.4(SYNE1):c.1185+46A>G

Gene: SYNE1 (spectrin repeat containing nuclear envelope protein 1; minus strand). Cytogenetic location: 6q25.2.
Variant type: single nucleotide variant.
Coding change: c.1185+46A>G on transcript NM_182961.4 (MANE Select); 46 bases into the intron after coding-DNA position 1185, A replaced by G.
Molecular consequence: intron variant.
Genome position (GRCh38, 1-based): chr6:152,484,789, T>C on the plus strand (A>G on the coding strand, the complement: SYNE1 is on the minus strand). VCF-style: chr6-152484789-T-C. GRCh37 (hg19) VCF-style: chr6-152805924-T-C.
Other names: c.1206+46A>G (NM_033071.5).
Identifiers: ClinVar variation 262156 (VCV000262156.2), dbSNP rs58766460, ClinGen allele CA4059497.